The following is an entry in ClinVar:

ClinVar aggregate classification (germline): Uncertain significance (1 of 4 stars; one submission).

gnomAD v4.1: 42 of 1,613,798 alleles (0.0026%); highest among the groups gnomAD compares: Admixed American, 0.04%; no homozygotes.

Submission:

GeneDx
Classification: Uncertain significance. Last evaluated: 2026-03-05. Review status: criteria provided, single submitter. Criteria: GeneDx Variant Classification Process June 2021. Collection method: clinical testing. Allele origin: germline.
Comment: In silico analysis suggests that this missense variant does not alter protein structure/function; Observed in large aggregate dataset examining de novo variants in patients with various developmental disorders (PMID: 33057194); This variant is associated with the following publications: (PMID: 33057194, 35982159)

NM_001039141.3(TRIOBP):c.320G>A (p.Arg107Gln)

Gene: TRIOBP (TRIO and F-actin binding protein; plus strand). Cytogenetic location: 22q13.1.
Variant type: single nucleotide variant.
Coding change: c.320G>A on transcript NM_001039141.3 (MANE Select); coding-DNA position 320, G replaced by A.
Protein change: p.Arg107Gln; replaces arginine 107 with glutamine.
Molecular consequence: missense variant.
Genome position (GRCh38, 1-based): chr22:37,713,275, G>A. VCF-style: chr22-37713275-G-A. GRCh37 (hg19) VCF-style: chr22-38109282-G-A.
Other names: short protein forms R107Q.
Identifiers: ClinVar variation 4976694 (VCV004976694.1).